The following is an entry in ClinVar:

NM_000133.4(F9):c.706_707delinsCT (p.Gly236Leu)

Gene: F9 (coagulation factor IX; plus strand). Cytogenetic location: Xq27.1.
Variant type: Indel.
Coding change: c.706_707delinsCT on transcript NM_000133.4 (MANE Select); coding-DNA positions 706 to 707, GG replaced by CT.
Protein change: p.Gly236Leu; replaces glycine 236 with leucine.
Molecular consequence: missense variant.
Genome position (GRCh38, 1-based): chrX:139,551,247-139,551,248, GG replaced by CT. VCF-style: chrX-139551247-GG-CT. GRCh37 (hg19) VCF-style: chrX-138633406-GG-CT.
Other names: c.706_707delGGinsCT, p.Gly236Leu (NM_000133.3); c.592_593delinsCT, p.Gly198Leu (NM_001313913.2); short protein forms G198L, G236L.
Identifiers: ClinVar variation 2635268 (VCV002635268.1), dbSNP rs2520803292, ClinGen allele CA2695197186.

ClinVar aggregate classification (germline): Likely pathogenic (1 of 4 stars; one submission).

Conditions:
F9-related disorder. Also called: F9-related condition.

Submission:

PreventionGenetics, part of Exact Sciences
Classification: Likely pathogenic for F9-related condition. Last evaluated: 2022-11-29. Review status: criteria provided, single submitter. Criteria: ACMG Guidelines, 2015. Collection method: clinical testing. Allele origin: germline.
Comment: The F9 c.706_707delinsCT variant is predicted to result in an in-frame deletion and insertion. To our knowledge, this variant has not been reported in the literature. However, different missense substitutions at this codon (c.706G>T,Gly236Cys; c.707G>A,Gly236Asp; c.707G>T,Gly236Val) have been observed in individuals with Hemophilia B (Giannelli et al. 1994. PubMed ID: 7937052; Bicocchi et al. 2003. PubMed ID: 12687663; F9 database) suggesting that substitution of amino acid residue p.Gly236 is not tolerated. This variant has not been reported in a large population database, indicating this variant is rare. This variant is interpreted as likely pathogenic.